The following is an entry in ClinVar:

ClinVar aggregate classification (germline): Uncertain significance (1 of 4 stars; one submission).

Conditions:
Kabuki syndrome. Also called: NIIKAWA-KUROKI SYNDROME; Kabuki make-up syndrome. Identifiers: Orphanet 2322, MedGen C0796004, MONDO:0016512.

Allele frequency attached by ClinVar (database versions not stated): TOPMed below 0.00001.
gnomAD v4.1: 3 of 1,612,894 alleles (0.00019%); highest among the groups gnomAD compares: Non-Finnish European, 0.00017%; no homozygotes.

Submission:

Labcorp Genetics (formerly Invitae), Labcorp
Classification: Uncertain significance for Kabuki syndrome. Last evaluated: 2025-03-10. Review status: criteria provided, single submitter. Criteria: Invitae Variant Classification Sherloc (09022015). Collection method: clinical testing. Allele origin: germline.
Comment: This sequence change replaces proline, which is neutral and non-polar, with alanine, which is neutral and non-polar, at codon 2918 of the KMT2D protein (p.Pro2918Ala). This variant is not present in population databases (gnomAD no frequency). This variant has not been reported in the literature in individuals affected with KMT2D-related conditions. ClinVar contains an entry for this variant (Variation ID: 2719651). Invitae Evidence Modeling of protein sequence and biophysical properties (such as structural, functional, and spatial information, amino acid conservation, physicochemical variation, residue mobility, and thermodynamic stability) indicates that this missense variant is not expected to disrupt KMT2D protein function with a negative predictive value of 95%. In summary, the available evidence is currently insufficient to determine the role of this variant in disease. Therefore, it has been classified as a Variant of Uncertain Significance.

NM_003482.4(KMT2D):c.8752C>G (p.Pro2918Ala)

Gene: KMT2D (lysine methyltransferase 2D; minus strand). Cytogenetic location: 12q13.12.
Variant type: single nucleotide variant.
Coding change: c.8752C>G on transcript NM_003482.4 (MANE Select); coding-DNA position 8752, C replaced by G.
Protein change: p.Pro2918Ala; replaces proline 2918 with alanine.
Molecular consequence: missense variant.
Genome position (GRCh38, 1-based): chr12:49,038,604, G>C on the plus strand (C>G on the coding strand, the complement: KMT2D is on the minus strand). VCF-style: chr12-49038604-G-C. GRCh37 (hg19) VCF-style: chr12-49432387-G-C.
Other names: short protein forms P2918A.
Identifiers: ClinVar variation 2719651 (VCV002719651.3), dbSNP rs1943338072, ClinGen allele CA384740960.
Genomic context (GRCh38, chr12:49,038,604, plus strand): 5'-GTGGGGCTGAGGGTTTCTGTGGGGGAAGACCTGATACCGCCAGGCCCCGAAGCCCTTCAG[G>C]AGCCAGTCGGTGGGGGTCCTCACTTACAGGGTAAAAACGGGGTCTCTGAGGTGGGCCCTG-3'
Protein context (NP_003473.3, residues 2908-2928): PVSEDPHRLA[Pro2918Ala]EGLRGLAVSG